The following is an entry in ClinVar:

ClinVar aggregate classification (germline): Uncertain significance (1 of 4 stars; one submission).

Allele frequency attached by ClinVar (database versions not stated): TOPMed 0.00001.

Submission:

Ambry Genetics
Classification: Uncertain significance. Last evaluated: 2022-11-20. Review status: criteria provided, single submitter. Criteria: Ambry Variant Classification Scheme 2023. Collection method: clinical testing. Allele origin: germline.
Comment: The p.G389V variant (also known as c.1166G>T), located in coding exon 3 of the ALPK2 gene, results from a G to T substitution at nucleotide position 1166. The glycine at codon 389 is replaced by valine, an amino acid with dissimilar properties. This amino acid position is conserved. In addition, this alteration is predicted to be tolerated by in silico analysis. Since supporting evidence is limited at this time, the clinical significance of this alteration remains unclear.

NM_052947.4(ALPK2):c.1166G>T (p.Gly389Val)

Genes: ALPK2 (alpha kinase 2; minus strand), LOC114803473 (ALPK2 eExon liver enhancer; plus strand). Cytogenetic location: 18q21.31.
Variant type: single nucleotide variant.
Coding change: c.1166G>T on transcript NM_052947.4 (MANE Select); coding-DNA position 1166, G replaced by T.
Protein change: p.Gly389Val; replaces glycine 389 with valine.
Molecular consequence: missense variant.
Genome position (GRCh38, 1-based): chr18:58,579,610, C>A on the plus strand (G>T on the coding strand, the complement: ALPK2 is on the minus strand). VCF-style: chr18-58579610-C-A. GRCh37 (hg19) VCF-style: chr18-56246842-C-A.
Other names: short protein forms G389V.
Identifiers: ClinVar variation 2451060 (VCV002451060.2), dbSNP rs2051944576, ClinGen allele CA402564372.